The following is an entry in ClinVar:

NM_000135.4(FANCA):c.1961C>T (p.Thr654Ile)

Gene: FANCA (FA complementation group A; minus strand). Cytogenetic location: 16q24.3.
Variant type: single nucleotide variant.
Coding change: c.1961C>T on transcript NM_000135.4 (MANE Select); coding-DNA position 1961, C replaced by T.
Protein change: p.Thr654Ile; replaces threonine 654 with isoleucine.
Molecular consequence: missense variant.
Genome position (GRCh38, 1-based): chr16:89,773,324, G>A on the plus strand (C>T on the coding strand, the complement: FANCA is on the minus strand). VCF-style: chr16-89773324-G-A. GRCh37 (hg19) VCF-style: chr16-89839732-G-A.
Other names: c.1961C>T, p.Thr654Ile (NM_001286167.3); short protein forms T654I.
Identifiers: ClinVar variation 3512639 (VCV003512639.1).
Genomic context (GRCh38, chr16:89,773,324, plus strand): 5'-TCCTCACCATCACGCTGGCTGGGGTCTGTCATGGAGGCTCTCAGCTCTCCCAGTGCAGCT[G>A]TGAGCTGTCCCAGGGGCTCCTCAGCAGAGTTGGGTTCTGCCCTCACTCCCAGGGCTGCAT-3'
Protein context (NP_000126.2, residues 644-664): NSAEEPLGQL[Thr654Ile]AALGELRASM

ClinVar aggregate classification (germline): Uncertain significance (1 of 4 stars; one submission).

Conditions:
Inborn genetic diseases. Identifiers: MedGen C0950123, MeSH D030342.

gnomAD v4.1: 3 of 1,551,586 alleles (0.00019%); highest among the groups gnomAD compares: East Asian, 0.0049%; no homozygotes.

Submission:

Ambry Genetics
Classification: Uncertain significance for Inborn genetic diseases. Last evaluated: 2024-11-20. Review status: criteria provided, single submitter. Criteria: Ambry Variant Classification Scheme 2023. Collection method: clinical testing. Allele origin: germline.
Comment: The p.T654I variant (also known as c.1961C>T), located in coding exon 22 of the FANCA gene, results from a C to T substitution at nucleotide position 1961. The threonine at codon 654 is replaced by isoleucine, an amino acid with similar properties. This amino acid position is conserved. In addition, this alteration is predicted to be tolerated by in silico analysis. Based on the available evidence, the clinical significance of this variant remains unclear.